The following is an entry in ClinVar:

ClinVar aggregate classification (germline): Uncertain significance. Review status: criteria provided, multiple submitters, no conflicts (2 of 4 stars). 2 submissions from 2 submitters: Uncertain significance (2). Last evaluated 2025-11-28.

Conditions:
Inborn genetic diseases. Identifiers: MedGen C0950123, MeSH D030342.

Submissions (2):

Labcorp Genetics (formerly Invitae), Labcorp
Classification: Uncertain significance. Last evaluated: 2025-11-28. Review status: criteria provided, single submitter. Criteria: Invitae Variant Classification Sherloc (09022015). Collection method: clinical testing. Allele origin: germline.
Comment: This sequence change replaces glycine, which is neutral and non-polar, with arginine, which is basic and polar, at codon 128 of the MECOM protein (p.Gly128Arg). This variant is not present in population databases (gnomAD no frequency). This variant has not been reported in the literature in individuals affected with MECOM-related conditions. ClinVar contains an entry for this variant (Variation ID: 4053130). An algorithm developed to predict the effect of missense changes on protein structure and function (PolyPhen-2) suggests that this variant is likely to be disruptive. In summary, the available evidence is currently insufficient to determine the role of this variant in disease. Therefore, it has been classified as a Variant of Uncertain Significance.

Ambry Genetics
Classification: Uncertain significance for Inborn genetic diseases. Last evaluated: 2025-03-31. Review status: criteria provided, single submitter. Criteria: Ambry Variant Classification Scheme 2023. Collection method: clinical testing. Allele origin: germline.
Comment: The p.G316R variant (also known as c.946G>C), located in coding exon 6 of the MECOM gene, results from a G to C substitution at nucleotide position 946. The glycine at codon 316 is replaced by arginine, an amino acid with dissimilar properties. This amino acid position is conserved. In addition, the in silico prediction for this alteration is inconclusive. Based on the available evidence, the clinical significance of this variant remains unclear.

NM_004991.4(MECOM):c.946G>C (p.Gly316Arg)

Gene: MECOM (MDS1 and EVI1 complex locus; minus strand). Cytogenetic location: 3q26.2.
Variant type: single nucleotide variant.
Coding change: c.946G>C on transcript NM_004991.4 (MANE Select); coding-DNA position 946, G replaced by C.
Protein change: p.Gly316Arg; replaces glycine 316 with arginine.
Molecular consequence: missense variant.
Genome position (GRCh38, 1-based): chr3:169,122,612, C>G on the plus strand (G>C on the coding strand, the complement: MECOM is on the minus strand). VCF-style: chr3-169122612-C-G. GRCh37 (hg19) VCF-style: chr3-168840400-C-G.
Other names: c.574G>C, p.Gly192Arg (NM_001105077.4); c.382G>C, p.Gly128Arg (NM_001105078.4, NM_001163999.2, NM_001164000.2 and 9 more transcripts); c.946G>C, p.Gly316Arg (NM_001366466.2, NM_001366473.2); short protein forms G192R, G128R, G316R.
Identifiers: ClinVar variation 4053130 (VCV004053130.2).